The following is an entry in ClinVar:

ClinVar aggregate classification (germline): Benign (1 of 4 stars; one submission).

Allele frequency attached by ClinVar (database versions not stated): 1000 Genomes Project 0.30751; 1000 Genomes Project 30x 0.31152; TOPMed 0.31860; gnomAD 0.31863 and 0.32023.
gnomAD v4.1: 48,449 of 151,810 alleles (32%); highest among the groups gnomAD compares: South Asian, 39%; 7,750 homozygotes.

Submission:

GeneDx
Classification: Benign. Last evaluated: 2018-06-20. Review status: criteria provided, single submitter. Criteria: GeneDx Variant Classification (06012015). Collection method: clinical testing. Allele origin: germline. Affected: yes.
Comment: This variant is considered likely benign or benign based on one or more of the following criteria: it is a conservative change, it occurs at a poorly conserved position in the protein, it is predicted to be benign by multiple in silico algorithms, and/or has population frequency not consistent with disease.

NM_015450.3(POT1):c.-153-187G>A

Gene: POT1 (protection of telomeres 1; minus strand). Cytogenetic location: 7q31.33.
Variant type: single nucleotide variant.
Coding change: c.-153-187G>A on transcript NM_015450.3 (MANE Select); 187 bases into the intron before 153 bases upstream of the start codon, G replaced by A.
Molecular consequence: intron variant.
Genome position (GRCh38, 1-based): chr7:124,898,561, C>T on the plus strand (G>A on the coding strand, the complement: POT1 is on the minus strand). VCF-style: chr7-124898561-C-T. GRCh37 (hg19) VCF-style: chr7-124538615-C-T.
Other names: c.-415-187G>A (NM_001042594.2).
Identifiers: ClinVar variation 678869 (VCV000678869.1), dbSNP rs33964002, ClinGen allele CA12654380.